The following is an entry in ClinVar:

NM_153676.4(USH1C):c.1064G>T (p.Arg355Ile)

Gene: USH1C (USH1 protein network component harmonin; minus strand). Cytogenetic location: 11p15.1.
Variant type: single nucleotide variant.
Coding change: c.1064G>T on transcript NM_153676.4 (MANE Select); coding-DNA position 1064, G replaced by T.
Protein change: p.Arg355Ile; replaces arginine 355 with isoleucine.
Molecular consequence: missense variant. On other transcripts: non-coding transcript variant (1).
Genome position (GRCh38, 1-based): chr11:17,521,367, C>A on the plus strand (G>T on the coding strand, the complement: USH1C is on the minus strand). VCF-style: chr11-17521367-C-A. GRCh37 (hg19) VCF-style: chr11-17542914-C-A.
Other names: c.1007G>T, p.Arg336Ile (NM_001297764.2); c.1064G>T, p.Arg355Ile (NM_005709.4); short protein forms R336I, R355I.
Identifiers: ClinVar variation 879131 (VCV000879131.5), dbSNP rs746789590, ClinGen allele CA5904732.

ClinVar aggregate classification (germline): Uncertain significance. Review status: criteria provided, multiple submitters, no conflicts (2 of 4 stars). 2 submissions from 2 submitters: Uncertain significance (2). Last evaluated 2022-10-24.

Conditions:
Usher syndrome type 1C. Also called: USHER SYNDROME, TYPE I, ACADIAN VARIETY. Identifiers: Orphanet 231169, Orphanet 886, MedGen C1848604, MONDO:0010171, OMIM 276904.

Allele frequency attached by ClinVar (database versions not stated): gnomAD 0.00001; gnomAD exomes 0.00002 and 0.00003; ExAC 0.00004; TOPMed 0.00003.
gnomAD v4.1: 26 of 1,614,064 alleles (0.0016%); highest among the groups gnomAD compares: East Asian, 0.056%; no homozygotes.

Submissions (2):

Labcorp Genetics (formerly Invitae), Labcorp
Classification: Uncertain significance. Last evaluated: 2022-10-24. Review status: criteria provided, single submitter. Criteria: Invitae Variant Classification Sherloc (09022015). Collection method: clinical testing. Allele origin: germline.
Comment: This sequence change replaces arginine, which is basic and polar, with isoleucine, which is neutral and non-polar, at codon 355 of the USH1C protein (p.Arg355Ile). This variant is present in population databases (rs746789590, gnomAD 0.05%). This variant has not been reported in the literature in individuals affected with USH1C-related conditions. ClinVar contains an entry for this variant (Variation ID: 879131). Algorithms developed to predict the effect of missense changes on protein structure and function (SIFT, PolyPhen-2, Align-GVGD) all suggest that this variant is likely to be disruptive. In summary, the available evidence is currently insufficient to determine the role of this variant in disease. Therefore, it has been classified as a Variant of Uncertain Significance.

Illumina Laboratory Services, Illumina
Classification: Uncertain significance for Usher syndrome type 1C. Last evaluated: 2018-01-13. Review status: criteria provided, single submitter. Criteria: ICSL Variant Classification Criteria 13 December 2019. Collection method: clinical testing. Allele origin: germline.